The following is an entry in ClinVar:

NM_030632.3(ASXL3):c.2488A>G (p.Asn830Asp)

Gene: ASXL3 (ASXL transcriptional regulator 3; plus strand). Cytogenetic location: 18q12.1.
Variant type: single nucleotide variant.
Coding change: c.2488A>G on transcript NM_030632.3 (MANE Select); coding-DNA position 2488, A replaced by G.
Protein change: p.Asn830Asp; replaces asparagine 830 with aspartic acid.
Molecular consequence: missense variant.
Genome position (GRCh38, 1-based): chr18:33,739,892, A>G. VCF-style: chr18-33739892-A-G. GRCh37 (hg19) VCF-style: chr18-31319856-A-G.
Other names: short protein forms N830D.
Identifiers: ClinVar variation 3367573 (VCV003367573.1).

ClinVar aggregate classification (germline): Uncertain significance (1 of 4 stars; one submission).

Submission:

GeneDx
Classification: Uncertain significance. Last evaluated: 2024-01-05. Review status: criteria provided, single submitter. Criteria: GeneDx Variant Classification Process June 2021. Collection method: clinical testing. Allele origin: germline. Affected: yes.
Comment: Not observed at significant frequency in large population cohorts (gnomAD); In silico analysis supports that this missense variant does not alter protein structure/function; Has not been previously published as pathogenic or benign to our knowledge